The following is an entry in ClinVar:

ClinVar aggregate classification (germline): Uncertain significance (1 of 4 stars; one submission).

Conditions:
MHC class II deficiency. Also called: Bare lymphocyte syndrome 2; BLS, TYPE II. Identifiers: Orphanet 572, MedGen C5447452, MONDO:0008855.

Submission:

Labcorp Genetics (formerly Invitae), Labcorp
Classification: Uncertain significance for MHC class II deficiency. Last evaluated: 2022-07-14. Review status: criteria provided, single submitter. Criteria: Invitae Variant Classification Sherloc (09022015). Collection method: clinical testing. Allele origin: germline.
Comment: Algorithms developed to predict the effect of missense changes on protein structure and function are either unavailable or do not agree on the potential impact of this missense change (SIFT: "Tolerated"; PolyPhen-2: "Possibly Damaging"; Align-GVGD: "Class C0"). This variant has not been reported in the literature in individuals affected with CIITA-related conditions. This variant is not present in population databases (gnomAD no frequency). This sequence change replaces glutamine, which is neutral and polar, with arginine, which is basic and polar, at codon 1080 of the CIITA protein (p.Gln1080Arg). Algorithms developed to predict the effect of sequence changes on RNA splicing suggest that this variant may disrupt the consensus splice site. In summary, the available evidence is currently insufficient to determine the role of this variant in disease. Therefore, it has been classified as a Variant of Uncertain Significance.

NM_000246.4(CIITA):c.3239A>G (p.Gln1080Arg)

Gene: CIITA (class II major histocompatibility complex transactivator; plus strand). Cytogenetic location: 16p13.13.
Variant type: single nucleotide variant.
Coding change: c.3239A>G on transcript NM_000246.4 (MANE Select); coding-DNA position 3239, A replaced by G.
Protein change: p.Gln1080Arg; replaces glutamine 1080 with arginine.
Molecular consequence: missense variant. On other transcripts: non-coding transcript variant (1).
Genome position (GRCh38, 1-based): chr16:10,922,412, A>G. VCF-style: chr16-10922412-A-G. GRCh37 (hg19) VCF-style: chr16-11016269-A-G.
Other names: c.3242A>G, p.Gln1081Arg (NM_001286402.1, NM_001379332.1); c.1487A>G, p.Gln496Arg (NM_001286403.2); c.3095A>G, p.Gln1032Arg (NM_001379330.1); c.3092A>G, p.Gln1031Arg (NM_001379331.1); c.3239A>G, p.Gln1080Arg (NM_001379333.1); c.3170A>G, p.Gln1057Arg (NM_001379334.1); short protein forms Q1032R, Q1031R, Q1081R, Q1080R, Q1057R, Q496R.
Identifiers: ClinVar variation 2013541 (VCV002013541.4), dbSNP rs2544667343, ClinGen allele CA394723967.
Genomic context (GRCh38, chr16:10,922,412, plus strand): 5'-GTCTGGAGCTGGGGAGTCCCAAGGGCCAGGCCCCAAGGTGAGTTTCTCTTGCCAGCGTCC[A>G]GTACAACAAGTTCACGGCTGCCGGGGCCCAGCAGCTCGCTGCCAGCCTTCGGAGGTGTCC-3'
Protein context (NP_000237.2, residues 1070-1090): DMVSLRVMDV[Gln1080Arg]YNKFTAAGAQ